The following is an entry in ClinVar:

NM_000321.3(RB1):c.2236G>C (p.Glu746Gln)

Gene: RB1 (RB transcriptional corepressor 1; plus strand). Cytogenetic location: 13q14.2.
Variant type: single nucleotide variant.
Coding change: c.2236G>C on transcript NM_000321.3 (MANE Select); coding-DNA position 2236, G replaced by C.
Protein change: p.Glu746Gln; replaces glutamic acid 746 with glutamine.
Molecular consequence: missense variant.
Genome position (GRCh38, 1-based): chr13:48,465,022, G>C. VCF-style: chr13-48465022-G-C. GRCh37 (hg19) VCF-style: chr13-49039158-G-C.
Other names: short protein forms E746Q.
Identifiers: ClinVar variation 575364 (VCV000575364.8), dbSNP rs958914211, ClinGen allele CA249310350.

ClinVar aggregate classification (germline): Uncertain significance. Review status: criteria provided, multiple submitters, no conflicts (2 of 4 stars). 3 submissions from 3 submitters: Uncertain significance (3). Last evaluated 2025-10-12.

Conditions:
Hereditary cancer-predisposing syndrome. Also called: Tumor predisposition; Hereditary neoplastic syndrome; Hereditary Cancer Syndrome; Neoplastic Syndromes, Hereditary. Identifiers: Orphanet 140162, MedGen C0027672, MeSH D009386, MONDO:0015356.
Retinoblastoma (RB1). Also called: RETINOBLASTOMA, SOMATIC. Identifiers: Orphanet 790, MedGen C0035335, MeSH D012175, MONDO:0008380, OMIM 180200, HP:0009919. Disease mechanism: loss of function. Inheritance: Both sporadic and heritable forms are tested..

Allele frequency attached by ClinVar (database versions not stated): gnomAD exomes below 0.00001.
gnomAD v4.1: 4 of 1,188,070 alleles (0.00034%); highest among the groups gnomAD compares: African/African-American, 0.0067%; no homozygotes.

Submissions (3):

Labcorp Genetics (formerly Invitae), Labcorp
Classification: Uncertain significance for Retinoblastoma. Last evaluated: 2025-10-12. Review status: criteria provided, single submitter. Criteria: Invitae Variant Classification Sherloc (09022015). Collection method: clinical testing. Allele origin: germline.
Comment: This sequence change replaces glutamic acid, which is acidic and polar, with glutamine, which is neutral and polar, at codon 746 of the RB1 protein (p.Glu746Gln). This variant is not present in population databases (gnomAD no frequency). This variant has not been reported in the literature in individuals affected with RB1-related conditions. ClinVar contains an entry for this variant (Variation ID: 575364). Invitae Evidence Modeling of protein sequence and biophysical properties (such as structural, functional, and spatial information, amino acid conservation, physicochemical variation, residue mobility, and thermodynamic stability) indicates that this missense variant is not expected to disrupt RB1 protein function with a negative predictive value of 80%. In summary, the available evidence is currently insufficient to determine the role of this variant in disease. Therefore, it has been classified as a Variant of Uncertain Significance.

GeneDx
Classification: Uncertain significance. Last evaluated: 2024-03-12. Review status: criteria provided, single submitter. Criteria: GeneDx Variant Classification Process June 2021. Collection method: clinical testing. Allele origin: germline. Affected: yes.
Comment: Not observed at significant frequency in large population cohorts (gnomAD); In silico analysis supports that this missense variant does not alter protein structure/function; Has not been previously published as pathogenic or benign to our knowledge; This variant is associated with the following publications: (PMID: 23516486)

Ambry Genetics
Classification: Uncertain significance for Hereditary cancer-predisposing syndrome. Last evaluated: 2023-11-17. Review status: criteria provided, single submitter. Criteria: Ambry Variant Classification Scheme 2023. Collection method: clinical testing. Allele origin: germline.
Comment: The p.E746Q variant (also known as c.2236G>C), located in coding exon 22 of the RB1 gene, results from a G to C substitution at nucleotide position 2236. The glutamic acid at codon 746 is replaced by glutamine, an amino acid with highly similar properties. This amino acid position is well conserved in available vertebrate species. In addition, the in silico prediction for this alteration is inconclusive. Since supporting evidence is limited at this time, the clinical significance of this alteration remains unclear.